The following is an entry in ClinVar:

ClinVar aggregate classification (germline): Likely pathogenic (1 of 4 stars; one submission).

Conditions:
Bethlem myopathy 2 (BTHLM2). Identifiers: Orphanet 536516, Orphanet 610, MedGen C4225313, MONDO:0034022, OMIM 616471.

Submission:

Clinical Genetics Laboratory, Skane University Hospital Lund
Classification: Likely pathogenic for Bethlem myopathy 2. Last evaluated: 2026-11-20. Review status: criteria provided, single submitter. Criteria: ACMG Guidelines, 2015. Collection method: clinical testing. Allele origin: germline. Affected: yes. Observed: 1 variant allele.
Comment: COL12A1 (NM_004370.6) c.8178+2T>C, p.? represents a nucleotide substitution in intron 53 of 65, which is likely to result in aberrant splicing of exon 53 of 66 and consequently a truncated protein. The COL12A1 c.8178+2T>C variant has not been observed in the general population and has not previously been reported in the ClinVar database. Another splice variant with the same predicted effect on the protein has been described in the literature in patients with similar symptoms (PMID: 31273343). The variant has been classified as likely pathogenic according to the following ACMG criteria: PVS1_Strong and PM2.

NM_004370.6(COL12A1):c.8178+2T>C

Gene: COL12A1 (collagen type XII alpha 1 chain; minus strand). Cytogenetic location: 6q13.
Variant type: single nucleotide variant.
Coding change: c.8178+2T>C on transcript NM_004370.6 (MANE Select); the canonical splice donor site of the intron after coding-DNA position 8178, T replaced by C.
Molecular consequence: splice donor variant.
Genome position (GRCh38, 1-based): chr6:75,106,417, A>G on the plus strand (T>C on the coding strand, the complement: COL12A1 is on the minus strand). VCF-style: chr6-75106417-A-G. GRCh37 (hg19) VCF-style: chr6-75816133-A-G.
Other names: c.4686+2T>C (NM_001424116.1, NM_080645.3); c.7905+2T>C (NM_001424115.1); c.8157+2T>C (NM_001424114.1); c.8178+2T>C (NM_001424113.1).
Identifiers: ClinVar variation 5043395 (VCV005043395.1).